The following is an entry in ClinVar:

ClinVar aggregate classification (germline): Uncertain significance (1 of 4 stars; one submission).

Conditions:
Weaver syndrome (WVS). Also called: Weaver Smith syndrome; Overgrowth syndrome with accelerated skeletal maturation, unusual facies, and camptodactyly. Identifiers: Orphanet 3447, MedGen C0265210, MONDO:0010193, OMIM 277590.

Submission:

Labcorp Genetics (formerly Invitae), Labcorp
Classification: Uncertain significance for Weaver syndrome. Last evaluated: 2022-11-19. Review status: criteria provided, single submitter. Criteria: Invitae Variant Classification Sherloc (09022015). Collection method: clinical testing. Allele origin: germline.
Comment: In summary, the available evidence is currently insufficient to determine the role of this variant in disease. Therefore, it has been classified as a Variant of Uncertain Significance. Advanced modeling of protein sequence and biophysical properties (such as structural, functional, and spatial information, amino acid conservation, physicochemical variation, residue mobility, and thermodynamic stability) performed at Invitae indicates that this missense variant is not expected to disrupt EZH2 protein function. This variant has not been reported in the literature in individuals affected with EZH2-related conditions. This variant is not present in population databases (gnomAD no frequency). This sequence change replaces lysine, which is basic and polar, with isoleucine, which is neutral and non-polar, at codon 323 of the EZH2 protein (p.Lys323Ile).

NM_004456.5(EZH2):c.968A>T (p.Lys323Ile)

Gene: EZH2 (enhancer of zeste 2 polycomb repressive complex 2 subunit; minus strand). Cytogenetic location: 7q36.1.
Variant type: single nucleotide variant.
Coding change: c.968A>T on transcript NM_004456.5 (MANE Select); coding-DNA position 968, A replaced by T.
Protein change: p.Lys323Ile; replaces lysine 323 with isoleucine.
Molecular consequence: missense variant.
Genome position (GRCh38, 1-based): chr7:148,819,627, T>A on the plus strand (A>T on the coding strand, the complement: EZH2 is on the minus strand). VCF-style: chr7-148819627-T-A. GRCh37 (hg19) VCF-style: chr7-148516719-T-A.
Other names: c.953A>T, p.Lys318Ile (NM_001203247.2); c.926A>T, p.Lys309Ile (NM_001203248.2, NM_001203249.2); c.836A>T, p.Lys279Ile (NM_152998.3); short protein forms K279I, K318I, K323I, K309I.
Identifiers: ClinVar variation 3008328 (VCV003008328.3), dbSNP rs2536754377, ClinGen allele CA369718256.